The following is an entry in ClinVar:

NM_007194.4(CHEK2):c.1545T>G (p.Pro515=)

Gene: CHEK2 (checkpoint kinase 2; minus strand). Cytogenetic location: 22q12.1.
Variant type: single nucleotide variant.
Coding change: c.1545T>G on transcript NM_007194.4 (MANE Select); coding-DNA position 1545, T replaced by G.
Protein change: p.Pro515=; no amino-acid change (proline 515 retained).
Molecular consequence: synonymous variant.
Genome position (GRCh38, 1-based): chr22:28,687,984, A>C on the plus strand (T>G on the coding strand, the complement: CHEK2 is on the minus strand). VCF-style: chr22-28687984-A-C. GRCh37 (hg19) VCF-style: chr22-29083972-A-C.
Other names: c.1674T>G, p.Pro558= (NM_001005735.3); c.882T>G, p.Pro294= (NM_001257387.3); c.1344T>G, p.Pro448= (NM_001349956.3); c.1458T>G, p.Pro486= (NM_145862.3).
Identifiers: ClinVar variation 763101 (VCV000763101.12), dbSNP rs1601698296, ClinGen allele CA513944687.
Genomic context (GRCh38, chr22:28,687,984, plus strand): 5'-GCGCTTTGTGGTCTCGGCACCCTCGGCTTCCCCTTCACGGGGCCGCTTTCGACTAGTAGA[A>C]GGCTGAAAATAAAGGAAAATGGAGAAATGTTCAAAAGAAAATCACTGGCTTCTTTAAGAT-3'
Protein context (NP_009125.1, residues 505-525): STALPQVLAQ[Pro515=]STSRKRPREG

ClinVar aggregate classification (germline): Benign/Likely benign. Review status: criteria provided, multiple submitters, no conflicts (2 of 4 stars). 3 submissions from 3 submitters: Benign (1); Likely benign (2). Last evaluated 2024-10-08.

Conditions:
Familial cancer of breast. Also called: BREAST CANCER, FAMILIAL; hereditary breast carcinoma; Hereditary breast cancer. Identifiers: Orphanet 227535, MedGen C0346153, MONDO:0016419, OMIM 114480. Disease mechanism: loss of function.
Hereditary cancer-predisposing syndrome. Also called: Tumor predisposition; Neoplastic Syndromes, Hereditary; Hereditary Cancer Syndrome; Hereditary neoplastic syndrome. Identifiers: Orphanet 140162, MedGen C0027672, MeSH D009386, MONDO:0015356.

Submissions (3):

Myriad Genetics, Inc.
Classification: Benign for Familial cancer of breast. Last evaluated: 2024-10-08. Review status: criteria provided, single submitter. Criteria: Myriad Autosomal Dominant, Autosomal Recessive and X-Linked Classification Criteria (2023). Collection method: clinical testing. Allele origin: unknown.
Comment: This variant is considered benign. This variant is a silent/synonymous amino acid change and it is not expected to impact splicing.

Ambry Genetics
Classification: Likely benign for Hereditary cancer-predisposing syndrome. Last evaluated: 2023-02-16. Review status: criteria provided, single submitter. Criteria: Ambry Variant Classification Scheme 2023. Collection method: clinical testing. Allele origin: germline.

Labcorp Genetics (formerly Invitae), Labcorp
Classification: Likely benign for Familial cancer of breast. Last evaluated: 2018-07-17. Review status: criteria provided, single submitter. Criteria: Invitae Variant Classification Sherloc (09022015). Collection method: clinical testing. Allele origin: germline.